The following is an entry in ClinVar:

NM_003000.3(SDHB):c.470T>C (p.Leu157Ser)

Gene: SDHB (succinate dehydrogenase complex iron sulfur subunit B; minus strand). Cytogenetic location: 1p36.13.
Variant type: single nucleotide variant.
Coding change: c.470T>C on transcript NM_003000.3 (MANE Select); coding-DNA position 470, T replaced by C.
Protein change: p.Leu157Ser; replaces leucine 157 with serine.
Molecular consequence: missense variant.
Genome position (GRCh38, 1-based): chr1:17,027,819, A>G on the plus strand (T>C on the coding strand, the complement: SDHB is on the minus strand). VCF-style: chr1-17027819-A-G. GRCh37 (hg19) VCF-style: chr1-17354314-A-G.
Other names: short protein forms L157S.
Identifiers: ClinVar variation 834641 (VCV000834641.16), dbSNP rs2077999812, ClinGen allele CA338272931.

ClinVar aggregate classification (germline): Uncertain significance (1 of 4 stars; one submission).

Conditions:
Pheochromocytoma/paraganglioma syndrome 4. Also called: CAROTID BODY TUMORS AND MULTIPLE EXTRAADRENAL PHEOCHROMOCYTOMAS; SDHB-Related Hereditary Paraganglioma-Pheochromocytoma Syndrome (Paragangliomas 4); SDHB-Related Hereditary Paraganglioma-Pheochromocytoma Syndrome; PARAGANGLIOMA, FAMILIAL MALIGNANT; PARAGANGLIOMAS, HEREDITARY EXTRAADRENAL; PHEOCHROMOCYTOMA, FAMILIAL EXTRAADRENAL. Identifiers: Orphanet 29072, MedGen C1861848, MONDO:0007273, OMIM 115310.
Gastrointestinal stromal tumor. Also called: Gastrointestinal stromal tumor, somatic; Gastrointestinal stroma tumor. Identifiers: Orphanet 44890, MedGen C0238198, MeSH D046152, MONDO:0011719, OMIM 606764, HP:0100723.
Pheochromocytoma. Also called: MAX-Related Hereditary Paraganglioma-Pheochromocytoma Syndrome. Identifiers: Orphanet 29072, MedGen C0031511, MONDO:0008233, OMIM 171300, HP:0002666.

Submission:

Labcorp Genetics (formerly Invitae), Labcorp
Classification: Uncertain significance for Gastrointestinal stromal tumor; Pheochromocytoma/paraganglioma syndrome 4; Pheochromocytoma. Last evaluated: 2026-01-26. Review status: criteria provided, single submitter. Criteria: Invitae Variant Classification Sherloc (09022015). Collection method: clinical testing. Allele origin: germline.
Comment: This sequence change replaces leucine, which is neutral and non-polar, with serine, which is neutral and polar, at codon 157 of the SDHB protein (p.Leu157Ser). This variant is not present in population databases (gnomAD no frequency). This variant has not been reported in the literature in individuals affected with SDHB-related conditions. ClinVar contains an entry for this variant (Variation ID: 834641). Invitae Evidence Modeling of protein sequence and biophysical properties (such as structural, functional, and spatial information, amino acid conservation, physicochemical variation, residue mobility, and thermodynamic stability) indicates that this missense variant is expected to disrupt SDHB protein function with a positive predictive value of 80%. In summary, the available evidence is currently insufficient to determine the role of this variant in disease. Therefore, it has been classified as a Variant of Uncertain Significance.